The following is an entry in ClinVar:

NM_006231.4(POLE):c.398C>G (p.Thr133Ser)

Gene: POLE (DNA polymerase epsilon, catalytic subunit; minus strand). Cytogenetic location: 12q24.33.
Variant type: single nucleotide variant.
Coding change: c.398C>G on transcript NM_006231.4 (MANE Select); coding-DNA position 398, C replaced by G.
Protein change: p.Thr133Ser; replaces threonine 133 with serine.
Molecular consequence: missense variant.
Genome position (GRCh38, 1-based): chr12:132,679,979, G>C on the plus strand (C>G on the coding strand, the complement: POLE is on the minus strand). VCF-style: chr12-132679979-G-C. GRCh37 (hg19) VCF-style: chr12-133256565-G-C.
Other names: short protein forms T133S.
Identifiers: ClinVar variation 859950 (VCV000859950.9), dbSNP rs2043133987, ClinGen allele CA387368047.

ClinVar aggregate classification (germline): Uncertain significance (1 of 4 stars; one submission).

Allele frequency attached by ClinVar (database versions not stated): gnomAD exomes below 0.00001.
gnomAD v4.1: 1 of 1,613,624 alleles (0.000062%); highest among the groups gnomAD compares: Non-Finnish European, 0.000085%; no homozygotes.

Submission:

Labcorp Genetics (formerly Invitae), Labcorp
Classification: Uncertain significance. Last evaluated: 2022-11-15. Review status: criteria provided, single submitter. Criteria: Invitae Variant Classification Sherloc (09022015). Collection method: clinical testing. Allele origin: germline.
Comment: This variant has not been reported in the literature in individuals affected with POLE-related conditions. This variant is not present in population databases (gnomAD no frequency). This sequence change replaces threonine, which is neutral and polar, with serine, which is neutral and polar, at codon 133 of the POLE protein (p.Thr133Ser). ClinVar contains an entry for this variant (Variation ID: 859950). Advanced modeling of protein sequence and biophysical properties (such as structural, functional, and spatial information, amino acid conservation, physicochemical variation, residue mobility, and thermodynamic stability) performed at Invitae indicates that this missense variant is not expected to disrupt POLE protein function. In summary, the available evidence is currently insufficient to determine the role of this variant in disease. Therefore, it has been classified as a Variant of Uncertain Significance.